The following is an entry in ClinVar:

NM_020706.2(SCAF4):c.1648dup (p.Met550fs)

Gene: SCAF4 (SR-related CTD associated factor 4; minus strand). Cytogenetic location: 21q22.11.
Variant type: Duplication.
Coding change: c.1648dup on transcript NM_020706.2 (MANE Select); coding-DNA position 1648, one base duplicated (A; older notation c.1648dupA).
Protein change: p.Met550fs; shifts the reading frame from methionine 550.
Molecular consequence: frameshift variant.
Genome position (GRCh38, 1-based): chr21:31,691,897, T duplicated on the plus strand (A on the coding strand, the reverse complement: SCAF4 is on the minus strand). VCF-style (leftmost placement, unchanged base first): chr21-31691896-A-AT. GRCh37 (hg19) VCF-style: chr21-33064209-A-AT.
Other names: c.1603dup, p.Met535fs (NM_001145444.1); c.1648dup, p.Met550fs (NM_001145445.1); c.1648dupA (NM_020706.2); short protein forms M550fs, M535fs.
Identifiers: ClinVar variation 2382716 (VCV002382716.2), dbSNP rs2516753785, ClinGen allele CA2580098546.

ClinVar aggregate classification (germline): Pathogenic (1 of 4 stars; one submission).

Conditions:
Inborn genetic diseases. Identifiers: MedGen C0950123, MeSH D030342.

Submission:

Ambry Genetics
Classification: Pathogenic for Inborn genetic diseases. Last evaluated: 2021-06-18. Review status: criteria provided, single submitter. Criteria: Ambry Variant Classification Scheme 2023. Collection method: clinical testing. Allele origin: germline.
Comment: The c.1648dupA (p.M550Nfs*4) alteration, located in exon 14 (coding exon 14) of the SCAF4 gene, consists of a duplication of A at position 1648, causing a translational frameshift with a predicted alternate stop codon after 4 amino acids. This alteration is expected to result in loss of function by premature protein truncation or nonsense-mediated mRNA decay. Based on data from the Genome Aggregation Database (gnomAD), the SCAF4 c.1648dupA alteration was not observed, with coverage at this position. Based on the available evidence, this alteration is classified as pathogenic.

Literature cited by the submitters: PubMed 32730804.